The following is an entry in ClinVar:

ClinVar aggregate classification (germline): Pathogenic (1 of 4 stars; one submission).

Conditions:
Haim-Munk syndrome (HMS). Also called: COCHIN JEWISH DISORDER; KERATOSIS PALMOPLANTARIS WITH PERIODONTOPATHIA AND ONYCHOGRYPOSIS. Identifiers: Orphanet 2342, MedGen C1855627, MONDO:0009491, OMIM 245010.
Periodontitis, aggressive. Identifiers: MedGen C0031106, MONDO:0980757.
Papillon-Lefèvre syndrome (PALS). Also called: Papillon-Lefevre Disease; KERATOSIS PALMOPLANTARIS WITH PERIODONTOPATHIA. Identifiers: Orphanet 678, MedGen C0030360, MONDO:0009490, OMIM 245000.

Submission:

Labcorp Genetics (formerly Invitae), Labcorp
Classification: Pathogenic for Haim-Munk syndrome; Periodontitis, aggressive; Papillon-Lefèvre syndrome. Last evaluated: 2019-06-28. Review status: criteria provided, single submitter. Criteria: Invitae Variant Classification Sherloc (09022015). Collection method: clinical testing. Allele origin: germline.
Comment: For these reasons, this variant has been classified as Pathogenic. This variant disrupts the C-terminus of the CTSC protein. Other variant(s) that disrupt this region (p.Trp429*) have been determined to be pathogenic (PMID: 10593994, 28242153, 29410039). This suggests that variants that disrupt this region of the protein are likely to be causative of disease. This variant has not been reported in the literature in individuals with CTSC-related conditions. This variant is not present in population databases (ExAC no frequency). This sequence change results in a premature translational stop signal in the CTSC gene (p.His366Ilefs*28). While this is not anticipated to result in nonsense mediated decay, it is expected to disrupt the last 98 amino acids of the CTSC protein.

Literature cited by the submitters: PubMed 10593994; PubMed 28242153; PubMed 29410039.

NM_001814.6(CTSC):c.1096del (p.His366fs)

Gene: CTSC (cathepsin C; minus strand). Cytogenetic location: 11q14.2.
Variant type: Deletion.
Coding change: c.1096del on transcript NM_001814.6 (MANE Select); coding-DNA position 1096, one base deleted (C; older notation c.1096delC).
Protein change: p.His366fs; shifts the reading frame from histidine 366.
Molecular consequence: frameshift variant.
Genome position (GRCh38, 1-based): chr11:88,294,302, G deleted on the plus strand (C on the coding strand, the reverse complement: CTSC is on the minus strand); the first of 2 consecutive G bases (chr11:88,294,302-88,294,303); deleting either gives the same sequence. VCF-style (leftmost placement, unchanged base first): chr11-88294301-TG-T. GRCh37 (hg19) VCF-style: chr11-88027469-TG-T.
Other names: short protein forms H366fs.
Identifiers: ClinVar variation 935708 (VCV000935708.9), dbSNP rs2496529286, ClinGen allele CA1139662115.